The following is an entry in ClinVar:

NM_002485.5(NBN):c.256G>C (p.Gly86Arg)

Gene: NBN (nibrin; minus strand). Cytogenetic location: 8q21.3.
Variant type: single nucleotide variant.
Coding change: c.256G>C on transcript NM_002485.5 (MANE Select); coding-DNA position 256, G replaced by C.
Protein change: p.Gly86Arg; replaces glycine 86 with arginine.
Molecular consequence: missense variant.
Genome position (GRCh38, 1-based): chr8:89,981,439, C>G on the plus strand (G>C on the coding strand, the complement: NBN is on the minus strand). VCF-style: chr8-89981439-C-G. GRCh37 (hg19) VCF-style: chr8-90993667-C-G.
Other names: c.10G>C, p.Gly4Arg (NM_001024688.3); short protein forms G4R, G86R.
Identifiers: ClinVar variation 1410792 (VCV001410792.6), dbSNP rs2129915101, ClinGen allele CA371662464.

ClinVar aggregate classification (germline): Uncertain significance (1 of 4 stars; one submission).

Conditions:
Microcephaly, normal intelligence and immunodeficiency (NBS). Also called: Nijmegen breakage syndrome; Microcephaly with normal intelligence immunodeficiency and lymphoreticular malignancies; Nonsyndromal microcephaly autosomal recessive with normal intelligence; Seemanova syndrome 2; SEEMANOVA SYNDROME II; IMMUNODEFICIENCY, MICROCEPHALY, AND CHROMOSOMAL INSTABILITY. Identifiers: Orphanet 647, MedGen C0398791, MONDO:0009623, OMIM 251260.

Allele frequency attached by ClinVar (database versions not stated): gnomAD exomes below 0.00001.
gnomAD v4.1: 1 of 1,614,034 alleles (0.000062%); highest among the groups gnomAD compares: Middle Eastern, 0.017%; no homozygotes.

Submission:

Labcorp Genetics (formerly Invitae), Labcorp
Classification: Uncertain significance for Microcephaly, normal intelligence and immunodeficiency. Last evaluated: 2024-09-09. Review status: criteria provided, single submitter. Criteria: Invitae Variant Classification Sherloc (09022015). Collection method: clinical testing. Allele origin: germline.
Comment: This sequence change replaces glycine, which is neutral and non-polar, with arginine, which is basic and polar, at codon 86 of the NBN protein (p.Gly86Arg). This variant is not present in population databases (gnomAD no frequency). This variant has not been reported in the literature in individuals affected with NBN-related conditions. ClinVar contains an entry for this variant (Variation ID: 1410792). An algorithm developed to predict the effect of missense changes on protein structure and function (PolyPhen-2) suggests that this variant is likely to be disruptive. In summary, the available evidence is currently insufficient to determine the role of this variant in disease. Therefore, it has been classified as a Variant of Uncertain Significance.